The following is an entry in ClinVar:

ClinVar aggregate classification (germline): Likely benign (1 of 4 stars; one submission).

Allele frequency attached by ClinVar (database versions not stated): gnomAD exomes 0.00013; ExAC 0.00038; ESP Exome Variant Server 0.00084; gnomAD 0.00111; 1000 Genomes Project 0.00419.

Submission:

CeGaT Center for Human Genetics Tuebingen
Classification: Likely benign. Last evaluated: 2025-06-01. Review status: criteria provided, single submitter. Criteria: CeGaT Center For Human Genetics Tuebingen Variant Classification Criteria Version 2. Collection method: clinical testing. Allele origin: germline. Affected: yes. Observed: 3 variant alleles.
Comment: AHNAK2: BP4, BP7

NM_138420.4(AHNAK2):c.5676G>A (p.Pro1892=)

Gene: AHNAK2 (AHNAK nucleoprotein 2; minus strand). Cytogenetic location: 14q32.33.
Variant type: single nucleotide variant.
Coding change: c.5676G>A on transcript NM_138420.4 (MANE Select); coding-DNA position 5676, G replaced by A.
Protein change: p.Pro1892=; no amino-acid change (proline 1892 retained).
Molecular consequence: synonymous variant.
Genome position (GRCh38, 1-based): chr14:104,949,775, C>T on the plus strand (G>A on the coding strand, the complement: AHNAK2 is on the minus strand). VCF-style: chr14-104949775-C-T. GRCh37 (hg19) VCF-style: chr14-105416112-C-T.
Other names: c.5376G>A, p.Pro1792= (NM_001350929.2).
Identifiers: ClinVar variation 2644782 (VCV002644782.24), dbSNP rs201903346, ClinGen allele CA7381575.